The following is an entry in ClinVar:

NM_001145358.2(SIN3A):c.113C>T (p.Pro38Leu)

Gene: SIN3A (SIN3 transcription regulator family member A; minus strand). Cytogenetic location: 15q24.2.
Variant type: single nucleotide variant.
Coding change: c.113C>T on transcript NM_001145358.2 (MANE Select); coding-DNA position 113, C replaced by T.
Protein change: p.Pro38Leu; replaces proline 38 with leucine.
Molecular consequence: missense variant.
Genome position (GRCh38, 1-based): chr15:75,430,263, G>A on the plus strand (C>T on the coding strand, the complement: SIN3A is on the minus strand). VCF-style: chr15-75430263-G-A. GRCh37 (hg19) VCF-style: chr15-75722604-G-A.
Other names: c.113C>T, p.Pro38Leu (NM_001145357.2, NM_015477.3); short protein forms P38L.
Identifiers: ClinVar variation 3360544 (VCV003360544.1).

ClinVar aggregate classification (germline): Uncertain significance (1 of 4 stars; one submission).

gnomAD v4.1: 1 of 1,614,130 alleles (0.000062%); highest among the groups gnomAD compares: Non-Finnish European, 0.000085%; no homozygotes.

Submission:

GeneDx
Classification: Uncertain significance. Last evaluated: 2023-06-27. Review status: criteria provided, single submitter. Criteria: GeneDx Variant Classification Process June 2021. Collection method: clinical testing. Allele origin: germline. Affected: yes.
Comment: Not observed at significant frequency in large population cohorts (gnomAD); In silico analysis supports that this missense variant has a deleterious effect on protein structure/function; Has not been previously published as pathogenic or benign to our knowledge